The following is an entry in ClinVar:

GRCh38/hg38 7q36.3(chr7:157271429-159282390)x3

Genes: DNAJB6 (DnaJ heat shock protein family (Hsp40) member B6; plus strand), DYNC2I1 (dynein 2 intermediate chain 1; plus strand), ESYT2 (extended synaptotagmin 2; minus strand), LINC00689 (long independently transcribed non-coding RNA 689; plus strand), LINC01022 (long independently transcribed non-coding RNA 1022; plus strand) and 70 more. Cytogenetic location: 7q36.3.
Variant type: copy number gain.
Change: copy number 3 (three copies instead of two) of chr7:157,271,429-159,282,390 (2.01 Mb, GRCh38 coordinates, 1-based), cytogenetic band 7q36.3.
Identifiers: ClinVar variation 58373 (VCV000058373.1).

ClinVar aggregate classification (germline): Uncertain significance (1 of 4 stars; one submission).

Submission:

ISCA site 4
Classification: Uncertain significance. Last evaluated: 2011-08-12. Review status: criteria provided, single submitter. Criteria: Kaminsky et al. (Genet Med. 2011). Collection method: clinical testing. Allele origin: maternal. Affected: yes. Observed: 1 variant allele.
Comment: Copy number variation identified through the course of routine clinical cytogenomic testing in postnatal populations. Clinical assertions have been curated as described in Kaminsky et al. 2011.